The following is an entry in ClinVar:

ClinVar aggregate classification (germline): Uncertain significance. Review status: criteria provided, multiple submitters, no conflicts (2 of 4 stars). 3 submissions from 3 submitters: Uncertain significance (3). Last evaluated 2025-10-03.

Conditions:
Malignant hyperthermia, susceptibility to, 1 (MHS1). Also called: RYR1-Related Malignant Hyperthermia Susceptibility; Anesthesia related hyperthermia; Malignant hyperpyrexia; Fulminating hyperpyrexia; Pharmacogenic myopathy; Malignant hyperthermia suceptibility 1. Identifiers: Orphanet 423, MedGen C2930980, MONDO:0007783, OMIM 145600.

Allele frequency attached by ClinVar (database versions not stated): TOPMed below 0.00001; gnomAD exomes 0.00001.
gnomAD v4.1: 12 of 1,603,440 alleles (0.00075%); highest among the groups gnomAD compares: Non-Finnish European, 0.001%; no homozygotes.

Submissions (3):

Color Diagnostics, LLC DBA Color Health
Classification: Uncertain significance for Malignant hyperthermia, susceptibility to, 1. Last evaluated: 2025-10-03. Review status: criteria provided, single submitter. Criteria: ACMG Guidelines, 2015. Collection method: clinical testing. Allele origin: germline.
Comment: This missense variant replaces serine with proline at codon 3486 of the RYR1 protein. Computational prediction is inconclusive regarding the impact of this variant on protein structure and function. To our knowledge, functional studies have not been reported for this variant. This variant has not been reported in individuals affected with RYR1-related disorders in the literature. This variant has been identified in 1/250406 chromosomes in the general population by the Genome Aggregation Database (gnomAD). The available evidence is insufficient to determine the role of this variant in disease conclusively. Therefore, this variant is classified as a Variant of Uncertain Significance.

GeneDx
Classification: Uncertain significance. Last evaluated: 2025-05-09. Review status: criteria provided, single submitter. Criteria: GeneDx Variant Classification Process June 2021. Collection method: clinical testing. Allele origin: germline. Affected: yes.
Comment: Not observed at significant frequency in large population cohorts (gnomAD); In silico analysis supports that this missense variant has a deleterious effect on protein structure/function; Has not been previously published as pathogenic or benign to our knowledge

All of Us Research Program, National Institutes of Health
Classification: Uncertain significance for Malignant hyperthermia, susceptibility to, 1. Last evaluated: 2023-04-03. Review status: criteria provided, single submitter. Criteria: ACMG Guidelines, 2015. Collection method: clinical testing. Allele origin: germline. Inheritance: Autosomal dominant inheritance. Observed: 2 variant alleles, 2 heterozygotes.
Comment: This missense variant replaces serine with proline at codon 3486 of the RYR1 protein. Computational prediction is inconclusive regarding the impact of this variant on protein structure and function (internally defined REVEL score threshold 0.5 < inconclusive < 0.7, PMID: 27666373). To our knowledge, functional studies have not been reported for this variant. This variant has not been reported in individuals affected with RYR1-related disorders in the literature. This variant has been identified in 1/250406 chromosomes in the general population by the Genome Aggregation Database (gnomAD). The available evidence is insufficient to determine the role of this variant in disease conclusively. Therefore, this variant is classified as a Variant of Uncertain Significance.

This study involves interpretation of variants in research participants for the purpose of population health screening. Participant phenotype was not available at the time of variant classification. Additional details can be found in publication PMID: 35346344, PMCID: PMC8962531

NM_000540.3(RYR1):c.10456T>C (p.Ser3486Pro)

Gene: RYR1 (ryanodine receptor 1; plus strand). Cytogenetic location: 19q13.2.
Variant type: single nucleotide variant.
Coding change: c.10456T>C on transcript NM_000540.3 (MANE Select); coding-DNA position 10456, T replaced by C.
Protein change: p.Ser3486Pro; replaces serine 3486 with proline.
Molecular consequence: missense variant.
Genome position (GRCh38, 1-based): chr19:38,525,332, T>C. VCF-style: chr19-38525332-T-C. GRCh37 (hg19) VCF-style: chr19-39015972-T-C.
Other names: c.10441T>C, p.Ser3481Pro (NM_001042723.2); short protein forms S3481P, S3486P.
Identifiers: ClinVar variation 3069679 (VCV003069679.3), dbSNP rs1402730696, ClinGen allele CA405643383.